The following is an entry in ClinVar:

ClinVar aggregate classification (germline): Uncertain significance (1 of 4 stars; one submission).

Allele frequency attached by ClinVar (database versions not stated): TOPMed below 0.00001; ExAC 0.00001; gnomAD exomes 0.00001 and 0.00002.
gnomAD v4.1: 24 of 1,614,158 alleles (0.0015%); highest among the groups gnomAD compares: Non-Finnish European, 0.0017%; no homozygotes.

Submission:

Labcorp Genetics (formerly Invitae), Labcorp
Classification: Uncertain significance. Last evaluated: 2022-07-12. Review status: criteria provided, single submitter. Criteria: Invitae Variant Classification Sherloc (09022015). Collection method: clinical testing. Allele origin: germline.
Comment: ClinVar contains an entry for this variant (Variation ID: 1372944). This variant has not been reported in the literature in individuals affected with UNC80-related conditions. This variant is present in population databases (rs769494103, gnomAD 0.003%). This sequence change replaces glutamic acid, which is acidic and polar, with lysine, which is basic and polar, at codon 169 of the UNC80 protein (p.Glu169Lys). Algorithms developed to predict the effect of missense changes on protein structure and function are either unavailable or do not agree on the potential impact of this missense change (SIFT: "Not Available"; PolyPhen-2: "Benign"; Align-GVGD: "Not Available"). In summary, the available evidence is currently insufficient to determine the role of this variant in disease. Therefore, it has been classified as a Variant of Uncertain Significance.

NM_001371986.1(UNC80):c.505G>A (p.Glu169Lys)

Gene: UNC80 (unc-80 subunit of NALCN channel complex; plus strand). Cytogenetic location: 2q34.
Variant type: single nucleotide variant.
Coding change: c.505G>A on transcript NM_001371986.1 (MANE Select); coding-DNA position 505, G replaced by A.
Protein change: p.Glu169Lys; replaces glutamic acid 169 with lysine.
Molecular consequence: missense variant.
Genome position (GRCh38, 1-based): chr2:209,777,464, G>A. VCF-style: chr2-209777464-G-A. GRCh37 (hg19) VCF-style: chr2-210642188-G-A.
Other names: c.505G>A, p.Glu169Lys (NM_032504.2, NM_182587.4); short protein forms E169K.
Identifiers: ClinVar variation 1372944 (VCV001372944.6), dbSNP rs769494103, ClinGen allele CA2082754.